The following is an entry in ClinVar:

ClinVar aggregate classification (germline): Uncertain significance (1 of 4 stars; one submission).

Submission:

Ambry Genetics
Classification: Uncertain significance. Last evaluated: 2025-05-02. Review status: criteria provided, single submitter. Criteria: Ambry Variant Classification Scheme 2023. Collection method: clinical testing. Allele origin: germline.
Comment: The p.E292Q variant (also known as c.874G>C), located in coding exon 7 of the RINT1 gene, results from a G to C substitution at nucleotide position 874. The glutamic acid at codon 292 is replaced by glutamine, an amino acid with highly similar properties. This amino acid position is conserved. In addition, this alteration is predicted to be tolerated by in silico analysis. Based on the available evidence, the clinical significance of this variant remains unclear.

NM_021930.6(RINT1):c.874G>C (p.Glu292Gln)

Gene: RINT1 (RAD50 interactor 1; plus strand). Cytogenetic location: 7q22.3.
Variant type: single nucleotide variant.
Coding change: c.874G>C on transcript NM_021930.6 (MANE Select); coding-DNA position 874, G replaced by C.
Protein change: p.Glu292Gln; replaces glutamic acid 292 with glutamine.
Molecular consequence: missense variant. On other transcripts: 5 prime UTR variant (2), non-coding transcript variant (1), intron variant (1).
Genome position (GRCh38, 1-based): chr7:105,548,588, G>C. VCF-style: chr7-105548588-G-C. GRCh37 (hg19) VCF-style: chr7-105189035-G-C.
Other names: c.640G>C, p.Glu214Gln (NM_001346599.2); c.-146G>C (NM_001346600.2); c.-51G>C (NM_001346601.2); c.-27-1467G>C (NM_001346603.2); short protein forms E292Q, E214Q.
Identifiers: ClinVar variation 3945991 (VCV003945991.1).